The following is an entry in ClinVar:

ClinVar aggregate classification (germline): Uncertain significance (1 of 4 stars; one submission).

Conditions:
Familial thoracic aortic aneurysm and aortic dissection (TAAD). Also called: Thoracic aortic aneurysms and dissections. Identifiers: Orphanet 91387, MedGen C4707243, MONDO:0019625.

Submission:

Ambry Genetics
Classification: Uncertain significance for Familial thoracic aortic aneurysm and aortic dissection. Last evaluated: 2026-04-27. Review status: criteria provided, single submitter. Criteria: Ambry Variant Classification Scheme 2023. Collection method: clinical testing. Allele origin: germline.
Comment: The p.P35A variant (also known as c.103C>G), located in coding exon 1 of the FBN2 gene, results from a C to G substitution at nucleotide position 103. The proline at codon 35 is replaced by alanine, an amino acid with highly similar properties. This amino acid position is conserved. In addition, this alteration is predicted to be tolerated by in silico analysis. Based on the available evidence, the clinical significance of this variant remains unclear.

NM_001999.4(FBN2):c.103C>G (p.Pro35Ala)

Gene: FBN2 (fibrillin 2; minus strand). Cytogenetic location: 5q23.3.
Variant type: single nucleotide variant.
Coding change: c.103C>G on transcript NM_001999.4 (MANE Select); coding-DNA position 103, C replaced by G.
Protein change: p.Pro35Ala; replaces proline 35 with alanine.
Molecular consequence: missense variant.
Genome position (GRCh38, 1-based): chr5:128,537,501, G>C on the plus strand (C>G on the coding strand, the complement: FBN2 is on the minus strand). VCF-style: chr5-128537501-G-C. GRCh37 (hg19) VCF-style: chr5-127873194-G-C.
Other names: short protein forms P35A.
Identifiers: ClinVar variation 4871254 (VCV004871254.1).